The following is an entry in ClinVar:

ClinVar aggregate classification (germline): Uncertain significance (1 of 4 stars; one submission).

Submission:

Women's Health and Genetics/Laboratory Corporation of America, LabCorp
Classification: Uncertain significance. Last evaluated: 2025-01-02. Review status: criteria provided, single submitter. Criteria: LabCorp Variant Classification Summary - May 2015. Collection method: clinical testing. Allele origin: germline.
Comment: Variant summary: ZC3H14 c.1571delG (p.Gly524ValfsX21) results in a premature termination codon, predicted to cause a truncation of the encoded protein or absence of the protein due to nonsense mediated decay, however current evidence is not sufficient to establish loss of function as a mechanism for disease. The variant was absent in 251278 control chromosomes. The available data on variant occurrences in the general population are insufficient to allow any conclusion about variant significance. To our knowledge, no occurrence of c.1571delG in individuals affected with Intellectual Disability, Autosomal Recessive 56 and no experimental evidence demonstrating its impact on protein function have been reported. ClinVar contains an entry for this variant (Variation ID: 2637763). Based on the evidence outlined above, the variant was classified as uncertain significance.

NM_024824.5(ZC3H14):c.1571del (p.Gly524fs)

Gene: ZC3H14 (zinc finger CCCH-type containing 14; plus strand). Cytogenetic location: 14q31.3.
Variant type: Deletion.
Coding change: c.1571del on transcript NM_024824.5 (MANE Select); coding-DNA position 1571, one base deleted (G; older notation c.1571delG).
Protein change: p.Gly524fs; shifts the reading frame from glycine 524.
Molecular consequence: frameshift variant. On other transcripts: non-coding transcript variant (1), intron variant (12).
Genome position (GRCh38, 1-based): chr14:88,602,884, G deleted; the last of 2 consecutive G bases (chr14:88,602,883-88,602,884); deleting either gives the same sequence. VCF-style (leftmost placement, unchanged base first): chr14-88602882-TG-T. GRCh37 (hg19) VCF-style: chr14-89069226-TG-T.
Other names: c.1571delG (NM_024824.5); c.1571del, p.Gly524fs (NM_001160103.2, NM_001160104.2, NM_001326310.2); c.1496del, p.Gly499fs (NM_001326296.2, NM_001326299.2, NM_001326307.2 and 1 more transcripts); c.1469del, p.Gly490fs (NM_001326297.2, NM_001326315.2, NM_001326316.2); c.1106del, p.Gly369fs (NM_001326300.2, NM_001326302.2); c.1394del, p.Gly465fs (NM_001326301.2); c.1031del, p.Gly344fs (NM_001326305.2, NM_001326314.2); c.1178-4359del (NM_001326303.2); and 7 more; short protein forms G344fs, G369fs, G465fs, G490fs, G499fs, G524fs.
Identifiers: ClinVar variation 2637763 (VCV002637763.2), dbSNP rs2084856430, ClinGen allele CA965732266.